The following is an entry in ClinVar:

NM_001283009.2(RTEL1):c.2558C>A (p.Ala853Asp)

Genes: RTEL1 (regulator of telomere elongation helicase 1; plus strand), RTEL1-TNFRSF6B (RTEL1-TNFRSF6B readthrough (NMD candidate); plus strand). Cytogenetic location: 20q13.33.
Variant type: single nucleotide variant.
Coding change: c.2558C>A on transcript NM_001283009.2 (MANE Select); coding-DNA position 2558, C replaced by A.
Protein change: p.Ala853Asp; replaces alanine 853 with aspartic acid.
Molecular consequence: missense variant. On other transcripts: non-coding transcript variant (1).
Genome position (GRCh38, 1-based): chr20:63,691,743, C>A. VCF-style: chr20-63691743-C-A. GRCh37 (hg19) VCF-style: chr20-62323096-C-A.
Other names: c.1889C>A, p.Ala630Asp (NM_001283010.1); c.2558C>A, p.Ala853Asp (NM_016434.4); c.2630C>A, p.Ala877Asp (NM_032957.5); short protein forms A630D, A877D, A853D.
Identifiers: ClinVar variation 3436044 (VCV003436044.1).

ClinVar aggregate classification (germline): Uncertain significance (1 of 4 stars; one submission).

Conditions:
Inborn genetic diseases. Identifiers: MedGen C0950123, MeSH D030342.

gnomAD v4.1: 1 of 1,611,770 alleles (0.000062%); highest among the groups gnomAD compares: African/African-American, 0.0013%; no homozygotes.

Submission:

Ambry Genetics
Classification: Uncertain significance for Inborn genetic diseases. Last evaluated: 2024-12-08. Review status: criteria provided, single submitter. Criteria: Ambry Variant Classification Scheme 2023. Collection method: clinical testing. Allele origin: germline.
Comment: The p.A853D variant (also known as c.2558C>A), located in coding exon 27 of the RTEL1 gene, results from a C to A substitution at nucleotide position 2558. The alanine at codon 853 is replaced by aspartic acid, an amino acid with dissimilar properties. This amino acid position is conserved. In addition, this alteration is predicted to be tolerated by in silico analysis. Based on the available evidence, the clinical significance of this variant remains unclear.